The following is an entry in ClinVar:

ClinVar aggregate classification (germline): Benign/Likely benign. Review status: criteria provided, multiple submitters, no conflicts (2 of 4 stars). 18 submissions from 18 submitters: Benign (9); Likely benign (4). 5 of the submissions do not count toward it. Last evaluated 2026-09-01.

Conditions:
CBL-related disorder. Also called: NOONAN SYNDROME-LIKE DISORDER WITHOUT JUVENILE MYELOMONOCYTIC LEUKEMIA; CBL MUTATION-ASSOCIATED SYNDROME; CBL SYNDROME. Identifiers: Orphanet 363972, MedGen C3150803, MONDO:0013308, OMIM 613563.
Noonan syndrome and Noonan-related syndrome. Identifiers: Orphanet 98733, MedGen C5681679, MONDO:0020297.
Cardiovascular phenotype. Identifiers: MedGen CN230736.
RASopathy. Also called: rasopathies; Noonan spectrum disorder. Identifiers: Orphanet 536391, MedGen C5555857, MONDO:0021060.
Juvenile myelomonocytic leukemia (JMML). Also called: LEUKEMIA, JUVENILE MYELOMONOCYTIC, SOMATIC. Identifiers: Orphanet 86834, MedGen C0349639, MONDO:0011908, OMIM 607785, HP:0012209.

Allele frequency attached by ClinVar (database versions not stated): ExAC 0.00129; gnomAD 0.00076 and 0.00086; 1000 Genomes Project 0.00140; TOPMed 0.00085; ESP Exome Variant Server 0.00092; 1000 Genomes Project 30x 0.00156.
gnomAD v4.1: 2,128 of 1,614,092 alleles (0.13%); highest among the groups gnomAD compares: Middle Eastern, 0.94%; 6 homozygotes.

Submissions (18):

CeGaT Center for Human Genetics Tuebingen
Classification: Likely benign. Last evaluated: 2026-09-01. Review status: criteria provided, single submitter. Criteria: CeGaT Center For Human Genetics Tuebingen Variant Classification Criteria Version 2. Collection method: clinical testing. Allele origin: germline. Affected: yes. Observed: 10 variant alleles.
Comment: CBL: BP4, BS1

Labcorp Genetics (formerly Invitae), Labcorp
Classification: Benign for RASopathy. Last evaluated: 2026-02-04. Review status: criteria provided, single submitter. Criteria: Invitae Variant Classification Sherloc (09022015). Collection method: clinical testing. Allele origin: germline.

Blueprint Genetics
Classification: Likely benign. Last evaluated: 2024-11-26. Review status: criteria provided, single submitter. Criteria: ACMG Guidelines, 2015. Collection method: clinical testing. Allele origin: germline.

Ambry Genetics
Classification: Benign for Cardiovascular phenotype. Last evaluated: 2024-05-20. Review status: criteria provided, single submitter. Criteria: Ambry Variant Classification Scheme 2023. Collection method: clinical testing. Allele origin: germline.

KCCC/NGS Laboratory, Kuwait Cancer Control Center
Classification: Benign for Juvenile myelomonocytic leukemia. Last evaluated: 2023-07-07. Review status: criteria provided, single submitter. Criteria: ACMG Guidelines, 2015. Collection method: clinical testing. Allele origin: germline. Affected: yes.

Women's Health and Genetics/Laboratory Corporation of America, LabCorp
Classification: Benign. Last evaluated: 2020-03-23. Review status: criteria provided, single submitter. Criteria: LabCorp Variant Classification Summary - May 2015. Collection method: clinical testing. Allele origin: germline.
Comment: Variant summary: CBL c.2269G>A (p.Ala757Thr) results in a non-conservative amino acid change in the encoded protein sequence. Four of five in-silico tools predict a benign effect of the variant on protein function. The variant allele was found at a frequency of 0.0015 in 251422 control chromosomes, predominantly at a frequency of 0.006 within the South Asian subpopulation in the gnomAD database, including 2 homozygotes. The observed variant frequency within South Asian control individuals in the gnomAD database is approximately 2400 fold of the estimated maximal expected allele frequency for a pathogenic variant in CBL causing Noonan Syndrome and Related Conditions phenotype (2.5e-06), strongly suggesting that the variant is a benign polymorphism found primarily in populations of South Asian origin. To our knowledge, no experimental evidence demonstrating its impact on protein function have been reported. Six ClinVar submitters (evaluation after 2014) cite the variant as benign (2x) and likely benign (4x). Based on the evidence outlined above, the variant was classified as benign.

ARUP Laboratories, Molecular Genetics and Genomics, ARUP Laboratories
Classification: Likely benign. Last evaluated: 2020-03-11. Review status: criteria provided, single submitter. Criteria: ARUP Molecular Germline Variant Investigation Process. Collection method: clinical testing. Allele origin: germline.

Genome Diagnostics Laboratory, The Hospital for Sick Children
Classification: Benign for Noonan syndrome and Noonan-related syndrome. Last evaluated: 2020-01-01. Review status: criteria provided, single submitter. Criteria: ACMG Guidelines, 2015. Collection method: clinical testing. Allele origin: germline.

GeneDx
Classification: Benign. Last evaluated: 2019-07-12. Review status: criteria provided, single submitter. Criteria: GeneDx Variant Classification Process June 2021. Collection method: clinical testing. Allele origin: germline. Affected: yes.
Comment: This variant is associated with the following publications: (PMID: 28502479)

Illumina Laboratory Services, Illumina
Classification: Benign for CBL-related disorder. Last evaluated: 2018-01-13. Review status: criteria provided, single submitter. Criteria: ICSL Variant Classification Criteria 13 December 2019. Collection method: clinical testing. Allele origin: germline.
Comment: This variant was observed in the ICSL laboratory as part of a predisposition screen in an ostensibly healthy population. It had not been previously curated by ICSL or reported in the Human Gene Mutation Database (HGMD: prior to June 1st, 2018), and was therefore a candidate for classification through an automated scoring system. Utilizing variant allele frequency, disease prevalence and penetrance estimates, and inheritance mode, an automated score was calculated to assess if this variant is too frequent to cause the disease. Based on the score and internal cut-off values, a variant classified as benign is not then subjected to further curation. The score for this variant resulted in a classification of benign for this disease.

Center for Pediatric Genomic Medicine, Children's Mercy Hospital and Clinics
Classification: Likely benign. Last evaluated: 2017-05-11. Review status: criteria provided, single submitter. Criteria: ACMG Guidelines, 2015. Collection method: clinical testing. Allele origin: germline.

Laboratory for Molecular Medicine, Mass General Brigham Personalized Medicine
Classification: Benign. Last evaluated: 2015-10-08. Review status: criteria provided, single submitter. Criteria: LMM Criteria. Collection method: clinical testing. Allele origin: germline. Observed: 7 variant alleles.
Comment: p.Ala757Thr in exon 15 of CBL: This variant is not expected to have clinical sig nificance it has been identified in 0.5% (81/16512) of South Asian chromosomes ( including 1 homozygous individual) and 0.1% (62/66732) of European chromosomes b y the Exome Aggregation Consortium (ExAC; dbSNP rs146517083).

PreventionGenetics, part of Exact Sciences
Classification: Benign. Review status: criteria provided, single submitter. Criteria: ACMG Guidelines, 2015. Collection method: clinical testing. Allele origin: germline.

ITMI
No classification provided. Condition: AllHighlyPenetrant. Last evaluated: 2013-09-19. Review status: no classification provided. Collection method: reference population. Allele origin: germline. Not counted in ClinVar's aggregate classification.
Comment: Please see associated publication for description of ethnicities

Clinical Genetics DNA and cytogenetics Diagnostics Lab, Erasmus MC, Erasmus Medical Center
Classification: Likely benign. Review status: no assertion criteria provided. Collection method: clinical testing. Allele origin: germline. Affected: yes. Study: VKGL Data-share Consensus. Not counted in ClinVar's aggregate classification.

Genome Diagnostics Laboratory, Amsterdam University Medical Center
Classification: Benign. Review status: no assertion criteria provided. Collection method: clinical testing. Allele origin: germline. Affected: yes. Study: VKGL Data-share Consensus. Not counted in ClinVar's aggregate classification.

Joint Genome Diagnostic Labs from Nijmegen and Maastricht, Radboudumc and MUMC+
Classification: Likely benign. Review status: no assertion criteria provided. Collection method: clinical testing. Allele origin: germline. Affected: yes. Study: VKGL Data-share Consensus. Not counted in ClinVar's aggregate classification.

Laboratory of Diagnostic Genome Analysis, Leiden University Medical Center (LUMC)
Classification: Likely benign. Review status: no assertion criteria provided. Collection method: clinical testing. Allele origin: germline. Affected: yes. Study: VKGL Data-share Consensus. Not counted in ClinVar's aggregate classification.

Literature cited by the submitters: PubMed 25224413 (cited by Women's Health and Genetics/Laboratory Corporation of America, LabCorp); PubMed 21828135 (cited by Women's Health and Genetics/Laboratory Corporation of America, LabCorp); PubMed 23690417 (cited by Women's Health and Genetics/Laboratory Corporation of America, LabCorp); PubMed 19387008 (cited by Women's Health and Genetics/Laboratory Corporation of America, LabCorp); PubMed 19901108 (cited by Women's Health and Genetics/Laboratory Corporation of America, LabCorp); PubMed 20951944 (cited by Women's Health and Genetics/Laboratory Corporation of America, LabCorp); PubMed 19620960 (cited by Women's Health and Genetics/Laboratory Corporation of America, LabCorp); PubMed 22733026 (cited by Women's Health and Genetics/Laboratory Corporation of America, LabCorp); PubMed 29296819 (cited by Women's Health and Genetics/Laboratory Corporation of America, LabCorp); PubMed 27069254 (cited by Women's Health and Genetics/Laboratory Corporation of America, LabCorp); PubMed 24728327 (cited by ITMI).

NM_005188.4(CBL):c.2269G>A (p.Ala757Thr)

Gene: CBL (Cbl proto-oncogene; plus strand). Cytogenetic location: 11q23.3.
Variant type: single nucleotide variant.
Coding change: c.2269G>A on transcript NM_005188.4 (MANE Select); coding-DNA position 2269, G replaced by A.
Protein change: p.Ala757Thr; replaces alanine 757 with threonine.
Molecular consequence: missense variant.
Genome position (GRCh38, 1-based): chr11:119,298,375, G>A. VCF-style: chr11-119298375-G-A. GRCh37 (hg19) VCF-style: chr11-119169085-G-A.
Other names: p.A757T:GCA>ACA; short protein forms A757T.
Identifiers: ClinVar variation 40419 (VCV000040419.69), dbSNP rs146517083, ClinGen allele CA157863.